The following is an entry in ClinVar:

ClinVar aggregate classification (germline): Uncertain significance. Review status: criteria provided, multiple submitters, no conflicts (2 of 4 stars). 3 submissions from 3 submitters: Uncertain significance (3). Last evaluated 2024-04-24.

Conditions:
Pulmonary hypertension, primary, 2. Identifiers: Orphanet 422, MedGen C3888002, MONDO:0014134, OMIM 615342.
Inborn genetic diseases. Identifiers: MedGen C0950123, MeSH D030342.

Allele frequency attached by ClinVar (database versions not stated): gnomAD 0.00001; ExAC 0.00002; gnomAD exomes 0.00002 and 0.00005; TOPMed 0.00004; 1000 Genomes Project 0.00020; 1000 Genomes Project 30x 0.00031.
gnomAD v4.1: 31 of 1,613,986 alleles (0.0019%); highest among the groups gnomAD compares: East Asian, 0.031%; no homozygotes.

Submissions (3):

Fulgent Genetics
Classification: Uncertain significance for Pulmonary hypertension, primary, 2. Last evaluated: 2024-04-24. Review status: criteria provided, single submitter. Criteria: ACMG Guidelines, 2015. Collection method: clinical testing. Allele origin: germline.

Labcorp Genetics (formerly Invitae), Labcorp
Classification: Uncertain significance for Pulmonary hypertension, primary, 2. Last evaluated: 2022-08-18. Review status: criteria provided, single submitter. Criteria: Invitae Variant Classification Sherloc (09022015). Collection method: clinical testing. Allele origin: germline.
Comment: This sequence change replaces arginine, which is basic and polar, with histidine, which is basic and polar, at codon 161 of the SMAD9 protein (p.Arg161His). This variant is present in population databases (rs200651392, gnomAD 0.05%). This variant has not been reported in the literature in individuals affected with SMAD9-related conditions. ClinVar contains an entry for this variant (Variation ID: 1442152). Algorithms developed to predict the effect of missense changes on protein structure and function are either unavailable or do not agree on the potential impact of this missense change (SIFT: "Deleterious"; PolyPhen-2: "Benign"; Align-GVGD: "Class C0"). In summary, the available evidence is currently insufficient to determine the role of this variant in disease. Therefore, it has been classified as a Variant of Uncertain Significance.

Ambry Genetics
Classification: Uncertain significance for Inborn genetic diseases. Last evaluated: 2022-06-10. Review status: criteria provided, single submitter. Criteria: Ambry Variant Classification Scheme 2023. Collection method: clinical testing. Allele origin: germline.

NM_001127217.3(SMAD9):c.482G>A (p.Arg161His)

Gene: SMAD9 (SMAD family member 9; minus strand). Cytogenetic location: 13q13.3.
Variant type: single nucleotide variant.
Coding change: c.482G>A on transcript NM_001127217.3 (MANE Select); coding-DNA position 482, G replaced by A.
Protein change: p.Arg161His; replaces arginine 161 with histidine.
Molecular consequence: missense variant.
Genome position (GRCh38, 1-based): chr13:36,872,846, C>T on the plus strand (G>A on the coding strand, the complement: SMAD9 is on the minus strand). VCF-style: chr13-36872846-C-T. GRCh37 (hg19) VCF-style: chr13-37446983-C-T.
Other names: c.482G>A, p.Arg161His (NM_001378621.1, NM_005905.6); c.482G>A (NM_005905.5); short protein forms R161H.
Identifiers: ClinVar variation 1442152 (VCV001442152.7), dbSNP rs200651392, ClinGen allele CA6950541.